The following is an entry in ClinVar:

NM_001184880.2(PCDH19):c.43C>A (p.Leu15Met)

Gene: PCDH19 (protocadherin 19; minus strand). Cytogenetic location: Xq22.1.
Variant type: single nucleotide variant.
Coding change: c.43C>A on transcript NM_001184880.2 (MANE Select); coding-DNA position 43, C replaced by A.
Protein change: p.Leu15Met; replaces leucine 15 with methionine.
Molecular consequence: missense variant.
Genome position (GRCh38, 1-based): chrX:100,408,555, G>T on the plus strand (C>A on the coding strand, the complement: PCDH19 is on the minus strand). VCF-style: chrX-100408555-G-T. GRCh37 (hg19) VCF-style: chrX-99663553-G-T.
Other names: c.43C>A, p.Leu15Met (NM_001105243.2, NM_020766.3); short protein forms L15M.
Identifiers: ClinVar variation 1937521 (VCV001937521.5), dbSNP rs1928483733, ClinGen allele CA414011502.

ClinVar aggregate classification (germline): Uncertain significance (1 of 4 stars; one submission).

Conditions:
Developmental and epileptic encephalopathy, 9 (DEE9). Also called: PCDH19-Related X-Linked Female-Limited Epilepsy with Mental Retardation; Early infantile epileptic encephalopathy 9; EPILEPSY, FEMALE-RESTRICTED, WITH MENTAL RETARDATION; JUBERG-HELLMAN SYNDROME. Identifiers: Orphanet 101039, Orphanet 2076, MedGen C1848137, MONDO:0010246, OMIM 300088. Disease mechanism: loss of function.

Submission:

Labcorp Genetics (formerly Invitae), Labcorp
Classification: Uncertain significance for Developmental and epileptic encephalopathy, 9. Last evaluated: 2022-05-19. Review status: criteria provided, single submitter. Criteria: Invitae Variant Classification Sherloc (09022015). Collection method: clinical testing. Allele origin: germline.
Comment: This variant has not been reported in the literature in individuals affected with PCDH19-related conditions. Advanced modeling of protein sequence and biophysical properties (such as structural, functional, and spatial information, amino acid conservation, physicochemical variation, residue mobility, and thermodynamic stability) performed at Invitae indicates that this missense variant is not expected to disrupt PCDH19 protein function. In summary, the available evidence is currently insufficient to determine the role of this variant in disease. Therefore, it has been classified as a Variant of Uncertain Significance. This variant is not present in population databases (gnomAD no frequency). This sequence change replaces leucine, which is neutral and non-polar, with methionine, which is neutral and non-polar, at codon 15 of the PCDH19 protein (p.Leu15Met).